The following is an entry in ClinVar:

ClinVar aggregate classification (germline): Likely benign (0 of 4 stars; one submission).

Conditions:
COL18A1-related disorder. Also called: COL18A1-related disorders; COL18A1-related condition.

Allele frequency attached by ClinVar (database versions not stated): gnomAD exomes 0.00004; gnomAD 0.00008; TOPMed 0.00008.
gnomAD v4.1: 63 of 1,389,228 alleles (0.0045%); highest among the groups gnomAD compares: Middle Eastern, 0.018%; no homozygotes.

Submission:

PreventionGenetics, part of Exact Sciences
Classification: Likely benign for COL18A1-related condition. Last evaluated: 2020-12-28. Review status: no assertion criteria provided. Collection method: clinical testing. Allele origin: germline.
Comment: This variant is classified as likely benign based on ACMG/AMP sequence variant interpretation guidelines (Richards et al. 2015 PMID: 25741868, with internal and published modifications).

NM_001379500.1(COL18A1):c.107-11497G>A

Gene: COL18A1 (collagen type XVIII alpha 1 chain; plus strand). Cytogenetic location: 21q22.3.
Variant type: single nucleotide variant.
Coding change: c.107-11497G>A on transcript NM_001379500.1 (MANE Select); 11497 bases into the intron before coding-DNA position 107, G replaced by A.
Molecular consequence: intron variant. On other transcripts: synonymous variant (1).
Genome position (GRCh38, 1-based): chr21:45,456,745, G>A. VCF-style: chr21-45456745-G-A. GRCh37 (hg19) VCF-style: chr21-46876659-G-A.
Other names: c.1215G>A, p.Pro405= (NM_130444.3); c.646+569G>A (NM_030582.4).
Identifiers: ClinVar variation 3030591 (VCV003030591.2), dbSNP rs992790271, ClinGen allele CA321895937.